The following is an entry in ClinVar:

ClinVar aggregate classification (germline): Uncertain significance. Review status: criteria provided, multiple submitters, no conflicts (2 of 4 stars). 2 submissions from 2 submitters: Uncertain significance (2). Last evaluated 2022-07-15.

Conditions:
Leukocyte adhesion deficiency 3. Also called: INTEGRIN ACTIVATION DEFICIENCY DISEASE; LEUKOCYTE ADHESION DEFICIENCY 1 VARIANT; Leukocyte adhesion deficiency, type III. Identifiers: Orphanet 2968, Orphanet 99844, MedGen C2748536, MONDO:0013016, OMIM 612840.

Allele frequency attached by ClinVar (database versions not stated): gnomAD 0.00001; gnomAD exomes 0.00001; ExAC 0.00002; ESP Exome Variant Server 0.00008.
gnomAD v4.1: 11 of 1,613,792 alleles (0.00068%); highest among the groups gnomAD compares: African/African-American, 0.0013%; no homozygotes.

Submissions (2):

Blueprint Genetics
Classification: Uncertain significance. Last evaluated: 2022-07-15. Review status: criteria provided, single submitter. Criteria: ACMG Guidelines, 2015. Collection method: clinical testing. Allele origin: germline.

Labcorp Genetics (formerly Invitae), Labcorp
Classification: Uncertain significance for Leukocyte adhesion deficiency 3. Last evaluated: 2022-04-10. Review status: criteria provided, single submitter. Criteria: Invitae Variant Classification Sherloc (09022015). Collection method: clinical testing. Allele origin: germline.
Comment: In summary, the available evidence is currently insufficient to determine the role of this variant in disease. Therefore, it has been classified as a Variant of Uncertain Significance. Algorithms developed to predict the effect of missense changes on protein structure and function are either unavailable or do not agree on the potential impact of this missense change (SIFT: "Deleterious"; PolyPhen-2: "Benign"; Align-GVGD: "Class C0"). This variant has not been reported in the literature in individuals affected with FERMT3-related conditions. This variant is present in population databases (rs140907017, gnomAD 0.002%). This sequence change replaces aspartic acid, which is acidic and polar, with asparagine, which is neutral and polar, at codon 408 of the FERMT3 protein (p.Asp408Asn).

NM_031471.6(FERMT3):c.1222G>A (p.Asp408Asn)

Gene: FERMT3 (FERM domain containing kindlin 3; plus strand). Cytogenetic location: 11q13.1.
Variant type: single nucleotide variant.
Coding change: c.1222G>A on transcript NM_031471.6 (MANE Select); coding-DNA position 1222, G replaced by A.
Protein change: p.Asp408Asn; replaces aspartic acid 408 with asparagine.
Molecular consequence: missense variant.
Genome position (GRCh38, 1-based): chr11:64,220,237, G>A. VCF-style: chr11-64220237-G-A. GRCh37 (hg19) VCF-style: chr11-63987709-G-A.
Other names: c.1222G>A, p.Asp408Asn (NM_001382361.1, NM_001382448.1); c.1234G>A, p.Asp412Asn (NM_001382362.1, NM_178443.3); c.682G>A, p.Asp228Asn (NM_001382363.1); c.694G>A, p.Asp232Asn (NM_001382364.1); short protein forms D408N, D228N, D412N, D232N.
Identifiers: ClinVar variation 1980884 (VCV001980884.3), dbSNP rs140907017, ClinGen allele CA6069089.